The following is an entry in ClinVar:

NM_001134.3(AFP):c.1446A>G (p.Gly482=)

Gene: AFP (alpha fetoprotein; plus strand). Cytogenetic location: 4q13.3.
Variant type: single nucleotide variant.
Coding change: c.1446A>G on transcript NM_001134.3 (MANE Select); coding-DNA position 1446, A replaced by G.
Protein change: p.Gly482=; no amino-acid change (glycine 482 retained).
Molecular consequence: synonymous variant.
Genome position (GRCh38, 1-based): chr4:73,452,418, A>G. VCF-style: chr4-73452418-A-G. GRCh37 (hg19) VCF-style: chr4-74318135-A-G.
Other names: c.972A>G, p.Gly324= (NM_001354717.2).
Identifiers: ClinVar variation 3050385 (VCV003050385.2), dbSNP rs144799463, ClinGen allele CA2960261.

ClinVar aggregate classification (germline): Likely benign (0 of 4 stars; one submission).

Conditions:
AFP-related disorder. Also called: AFP-related condition.

Allele frequency attached by ClinVar (database versions not stated): 1000 Genomes Project 30x 0.00016; 1000 Genomes Project 0.00020; ExAC 0.00037; TOPMed 0.00040; ESP Exome Variant Server 0.00046; gnomAD 0.00054; gnomAD exomes 0.00075.
gnomAD v4.1: 1,168 of 1,613,966 alleles (0.072%); highest among the groups gnomAD compares: Non-Finnish European, 0.087%; 3 homozygotes.

Submission:

PreventionGenetics, part of Exact Sciences
Classification: Likely benign for AFP-related condition. Last evaluated: 2019-07-15. Review status: no assertion criteria provided. Collection method: clinical testing. Allele origin: germline.
Comment: This variant is classified as likely benign based on ACMG/AMP sequence variant interpretation guidelines (Richards et al. 2015 PMID: 25741868, with internal and published modifications).